The following is an entry in ClinVar:

ClinVar aggregate classification (germline): Uncertain significance (1 of 4 stars; one submission).

gnomAD v4.1: 7 of 1,611,066 alleles (0.00043%); highest among the groups gnomAD compares: South Asian, 0.0077%; no homozygotes.

Submission:

GeneDx
Classification: Uncertain significance. Last evaluated: 2024-07-24. Review status: criteria provided, single submitter. Criteria: GeneDx Variant Classification Process June 2021. Collection method: clinical testing. Allele origin: germline. Affected: yes.
Comment: In silico analysis supports that this missense variant has a deleterious effect on protein structure/function; Has not been previously published as pathogenic or benign to our knowledge

NM_012082.4(ZFPM2):c.2549T>G (p.Leu850Arg)

Genes: ZFPM2 (zinc finger protein, FOG family member 2; plus strand), ZFPM2-AS1 (ZFPM2 antisense RNA 1; minus strand), LOC126860469 (BRD4-independent group 4 enhancer GRCh37_chr8:106814445-106815644; plus strand). Cytogenetic location: 8q23.1.
Variant type: single nucleotide variant.
Coding change: c.2549T>G on transcript NM_012082.4 (MANE Select); coding-DNA position 2549, T replaced by G.
Protein change: p.Leu850Arg; replaces leucine 850 with arginine.
Molecular consequence: missense variant.
Genome position (GRCh38, 1-based): chr8:105,802,631, T>G. VCF-style: chr8-105802631-T-G. GRCh37 (hg19) VCF-style: chr8-106814859-T-G.
Other names: c.2390T>G, p.Leu797Arg (NM_001362836.2); c.2153T>G, p.Leu718Arg (NM_001362837.2); short protein forms L718R, L797R, L850R.
Identifiers: ClinVar variation 3600798 (VCV003600798.1).
Genomic context (GRCh38, chr8:105,802,631, plus strand): 5'-TAGATCTCAGCAAAAAGTGTTTATCTCAGTCTGAGCGGACGACCACGTCTCCCAAAAGGC[T>G]GCTGGACTATCACGAGTGCACTGTGTGCAAGATCAGTTTCAATAAGGTAGAAAACTATCT-3'
Protein context (NP_036214.2, residues 840-860): SERTTTSPKR[Leu850Arg]LDYHECTVCK